The following is an entry in ClinVar:

NM_007325.5(GRIA3):c.2192A>G (p.Lys731Arg)

Gene: GRIA3 (glutamate ionotropic receptor AMPA type subunit 3; plus strand). Cytogenetic location: Xq25.
Variant type: single nucleotide variant.
Coding change: c.2192A>G on transcript NM_007325.5 (MANE Select); coding-DNA position 2192, A replaced by G.
Protein change: p.Lys731Arg; replaces lysine 731 with arginine.
Molecular consequence: missense variant.
Genome position (GRCh38, 1-based): chrX:123,464,980, A>G. VCF-style: chrX-123464980-A-G. GRCh37 (hg19) VCF-style: chrX-122598831-A-G.
Other names: c.2192A>G, p.Lys731Arg (NM_000828.5); short protein forms K731R.
Identifiers: ClinVar variation 3901319 (VCV003901319.1).

ClinVar aggregate classification (germline): Uncertain significance (1 of 4 stars; one submission).

Submission:

GeneDx
Classification: Uncertain significance. Last evaluated: 2024-12-03. Review status: criteria provided, single submitter. Criteria: GeneDx Variant Classification Process June 2021. Collection method: clinical testing. Allele origin: germline. Affected: yes.
Comment: Not observed at significant frequency in large population cohorts (gnomAD); In silico analysis supports that this missense variant has a deleterious effect on protein structure/function; Has not been previously published as pathogenic or benign to our knowledge